The following is an entry in ClinVar:

NM_007294.4(BRCA1):c.4840C>G (p.Pro1614Ala)

Gene: BRCA1 (BRCA1 DNA repair associated; minus strand). Cytogenetic location: 17q21.31.
Variant type: single nucleotide variant.
Coding change: c.4840C>G on transcript NM_007294.4 (MANE Select); coding-DNA position 4840, C replaced by G.
Protein change: p.Pro1614Ala; replaces proline 1614 with alanine.
Molecular consequence: missense variant. On other transcripts: non-coding transcript variant (1).
Genome position (GRCh38, 1-based): chr17:43,071,074, G>C on the plus strand (C>G on the coding strand, the complement: BRCA1 is on the minus strand). VCF-style: chr17-43071074-G-C. GRCh37 (hg19) VCF-style: chr17-41223091-G-C.
Other names: c.4627C>G, p.Pro1543Ala (NM_001407571.1, NM_001407894.1, NM_001407895.1 and 12 more transcripts); c.4906C>G, p.Pro1636Ala (NM_001407581.1, NM_001407582.1); c.4903C>G, p.Pro1635Ala (NM_001407583.1, NM_001407585.1, NM_001407587.1 and 1 more transcripts); c.4900C>G, p.Pro1634Ala (NM_001407590.1, NM_001407591.1); c.4840C>G, p.Pro1614Ala (NM_001407593.1, NM_001407594.1, NM_001407596.1 and 8 more transcripts); c.4837C>G, p.Pro1613Ala (NM_001407610.1, NM_001407611.1, NM_001407612.1 and 17 more transcripts); c.4834C>G, p.Pro1612Ala (NM_001407627.1, NM_001407628.1, NM_001407629.1 and 14 more transcripts); c.4831C>G, p.Pro1611Ala (NM_001407644.1, NM_001407645.1); and 70 more; short protein forms P1567A, P1614A, P1635A, P510A, P1317A, P1501A, P1543A, P1566A.
Identifiers: ClinVar variation 1010734 (VCV001010734.10), dbSNP rs70953660, ClinGen allele CA10591842.

ClinVar aggregate classification (germline): Uncertain significance (1 of 4 stars; one submission).

Conditions:
Hereditary breast ovarian cancer syndrome. Also called: BRCA1- and BRCA2-Associated Hereditary Breast and Ovarian Cancer; Hereditary breast and ovarian cancer; Hereditary breast and ovarian cancer syndrome; Breast and ovarian cancer; Hereditary breast and/or ovarian cancer syndrome; Hereditary breast and ovarian cancer syndrome (HBOC). Identifiers: Orphanet 145, MedGen C0677776, MeSH D061325, MONDO:0003582. Disease mechanism: loss of function.

Submission:

Labcorp Genetics (formerly Invitae), Labcorp
Classification: Uncertain significance for Hereditary breast ovarian cancer syndrome. Last evaluated: 2020-08-18. Review status: criteria provided, single submitter. Criteria: Invitae Variant Classification Sherloc (09022015). Collection method: clinical testing. Allele origin: germline.
Comment: In summary, the available evidence is currently insufficient to determine the role of this variant in disease. Therefore, it has been classified as a Variant of Uncertain Significance. Algorithms developed to predict the effect of missense changes on protein structure and function (SIFT, PolyPhen-2, Align-GVGD) all suggest that this variant is likely to be tolerated, but these predictions have not been confirmed by published functional studies and their clinical significance is uncertain. This variant has not been reported in the literature in individuals with BRCA1-related conditions. This variant is not present in population databases (ExAC no frequency). This sequence change replaces proline with alanine at codon 1614 of the BRCA1 protein (p.Pro1614Ala). The proline residue is moderately conserved and there is a small physicochemical difference between proline and alanine.